The following is an entry in ClinVar:

NM_000245.4(MET):c.3218C>T (p.Pro1073Leu)

Gene: MET (MET proto-oncogene, receptor tyrosine kinase; plus strand). Cytogenetic location: 7q31.2.
Variant type: single nucleotide variant.
Coding change: c.3218C>T on transcript NM_000245.4 (MANE Select); coding-DNA position 3218, C replaced by T.
Protein change: p.Pro1073Leu; replaces proline 1073 with leucine.
Molecular consequence: missense variant.
Genome position (GRCh38, 1-based): chr7:116,775,070, C>T. VCF-style: chr7-116775070-C-T. GRCh37 (hg19) VCF-style: chr7-116415124-C-T.
Other names: c.3272C>T, p.Pro1091Leu (NM_001127500.3); c.1928C>T, p.Pro643Leu (NM_001324402.2); short protein forms P1091L, P1073L, P643L.
Identifiers: ClinVar variation 135966 (VCV000135966.31), dbSNP rs370529693, ClinGen allele CA189948.

ClinVar aggregate classification (germline): Conflicting classifications of pathogenicity. Review status: criteria provided, conflicting classifications (1 of 4 stars). 12 submissions from 12 submitters: Uncertain significance (8); Likely benign (4). Last evaluated 2026-01-26.

Conditions:
MET-related disorder. Also called: MET-related condition.
Arthrogryposis, distal, IIa 11. Also called: Arthrogryposis, distal, type 11. Identifiers: MedGen C5774205, MONDO:0031045, OMIM 620019.
Autosomal recessive nonsyndromic hearing loss 97. Also called: Deafness, autosomal recessive 97. Identifiers: Orphanet 90636, MedGen C4084709, MONDO:0014739, OMIM 616705.
Osteofibrous dysplasia (OSFD). Also called: Tibia, bowing of, with pseudarthrosis and pectus excavatum. Identifiers: Orphanet 488265, MedGen C4085248, MONDO:0011806, OMIM 607278.
Hepatocellular carcinoma (HCC). Also called: Primary carcinoma of liver; HEPATOMA; LIVER CELL CARCINOMA. Identifiers: Orphanet 88673, MedGen C2239176, MONDO:0007256, OMIM 114550, HP:0001402.
Papillary renal cell carcinoma type 1 (RCCP1). Also called: RENAL CELL CARCINOMA, PAPILLARY, 1, SOMATIC; Renal adenocarcinoma; Renal cell carcinoma 1; Renal cell carcinoma, somatic. Identifiers: Orphanet 47044, MedGen C1336839, OMIM 605074, HP:0011797.
Renal cell carcinoma. Identifiers: Orphanet 217071, MedGen C0007134, MeSH D002292, MONDO:0005086, HP:0005584.
Hereditary cancer. Identifiers: MedGen C1333600.
Hereditary cancer-predisposing syndrome. Also called: Neoplastic Syndromes, Hereditary; Tumor predisposition; Hereditary Cancer Syndrome; Hereditary neoplastic syndrome. Identifiers: Orphanet 140162, MedGen C0027672, MeSH D009386, MONDO:0015356.

Allele frequency attached by ClinVar (database versions not stated): gnomAD 0.00007; ESP Exome Variant Server 0.00008; gnomAD exomes 0.00011 and 0.00012; ExAC 0.00012; TOPMed 0.00014; 1000 Genomes Project 30x 0.00016; 1000 Genomes Project 0.00020.
gnomAD v4.1: 173 of 1,614,124 alleles (0.011%); highest among the groups gnomAD compares: Admixed American, 0.025%; no homozygotes.

Submissions (12):

PreventionGenetics, part of Exact Sciences
Classification: Uncertain significance for MET-related condition. Last evaluated: 2026-01-26. Review status: criteria provided, single submitter. Criteria: ACMG Guidelines, 2015. Collection method: clinical testing. Allele origin: germline.
Comment: The MET c.3272C>T variant is predicted to result in the amino acid substitution p.Pro1091Leu. To our knowledge, this variant has not been reported in individuals with MET-related conditions. However, it has been reported as a germline variant in an individual with colon cancer (Table S9, Yehia et al. 2018. PubMed ID: 29684080) and in three individuals with breast cancer (Table S3, Guindalini et al. 2022. PubMed ID: 35264596). This variant is reported in 0.028% of alleles in individuals of Latino descent in gnomAD and has conflicting interpretations of likely benign and uncertain in ClinVar (Variation: 135966). Although we suspect that this variant may be benign, the clinical significance of this variant is classified as uncertain at this time due to insufficient functional and genetic evidence.

Labcorp Genetics (formerly Invitae), Labcorp
Classification: Uncertain significance for Renal cell carcinoma. Last evaluated: 2026-01-19. Review status: criteria provided, single submitter. Criteria: Invitae Variant Classification Sherloc (09022015). Collection method: clinical testing. Allele origin: germline.
Comment: This sequence change replaces proline, which is neutral and non-polar, with leucine, which is neutral and non-polar, at codon 1091 of the MET protein (p.Pro1091Leu). This variant is present in population databases (rs370529693, gnomAD 0.03%). This variant has not been reported in the literature in individuals affected with MET-related conditions. ClinVar contains an entry for this variant (Variation ID: 135966). Invitae Evidence Modeling of protein sequence and biophysical properties (such as structural, functional, and spatial information, amino acid conservation, physicochemical variation, residue mobility, and thermodynamic stability) indicates that this missense variant is not expected to disrupt MET protein function with a negative predictive value of 80%. In summary, the available evidence is currently insufficient to determine the role of this variant in disease. Therefore, it has been classified as a Variant of Uncertain Significance.

St. Jude Molecular Pathology, St. Jude Children's Research Hospital
Classification: Uncertain significance for Papillary renal cell carcinoma type 1. Last evaluated: 2025-06-17. Review status: criteria provided, single submitter. Criteria: St. Jude Assertion Criteria 2020. Collection method: clinical testing. Allele origin: germline.
Comment: The MET c.3272C>T p.(Pro1091Leu) missense change has a maximum subpopulation frequency of 0.028% in gnomAD v2.1.1. The in silico tool REVEL predicts a benign effect on protein function, but to our knowledge this prediction has not been confirmed by functional studies. To our knowledge, this variant has not been reported in individuals with hereditary papillary renal cell carcinoma. In summary, the evidence currently available is insufficient to determine the clinical significance of this variant. It has therefore been classified as of uncertain significance.

Myriad Genetics, Inc.
Classification: Likely benign for Papillary renal cell carcinoma type 1. Last evaluated: 2024-11-13. Review status: criteria provided, single submitter. Criteria: Myriad Autosomal Dominant, Autosomal Recessive and X-Linked Classification Criteria (2023). Collection method: clinical testing. Allele origin: unknown.
Comment: This variant is considered likely benign. This variant has been observed at a population frequency that is significantly greater than expected given the associated disease prevalence and penetrance.

Quest Diagnostics Nichols Institute San Juan Capistrano
Classification: Uncertain significance. Last evaluated: 2024-07-30. Review status: criteria provided, single submitter. Criteria: Quest Diagnostics criteria. Collection method: clinical testing. Allele origin: unknown.

Clinical Genomics Laboratory, Washington University in St. Louis
Classification: Uncertain significance. Last evaluated: 2024-07-08. Review status: criteria provided, single submitter. Criteria: ACMG Guidelines, 2015. Collection method: clinical testing. Allele origin: germline.
Comment: A MET c.3218C>T (p.Pro1073Leu) variant was identified at a near heterozygous allelic fraction of 46.6%, a frequency which may be consistent with germline origin. This variant, to our knowledge, has not been reported in the medical literature in individuals with lymphedema or lymphovenous malformation. The MET c.3218C>T (p.Pro1073Leu) variant is observed on 173/1,614,124 alleles in the general population (gnomAD v.4.1.0). This variant has been reported in the ClinVar database as a germline variant of uncertain significance by three submitters as well as a likely benign variant by three submitters (ClinVar ID: 135966). Computational predictors suggest that the variant does not impact MET function. Due to limited information, and based on ACMG/AMP guidelines for variant interpretation (Richards S et al., PMID: 25741868), the clinical significance of the MET c.3218C>T (p.Pro1073Leu) variant is uncertain at this time.

GeneDx
Classification: Uncertain significance. Last evaluated: 2024-06-25. Review status: criteria provided, single submitter. Criteria: GeneDx Variant Classification Process June 2021. Collection method: clinical testing. Allele origin: germline. Affected: yes.
Comment: In silico analysis supports that this missense variant has a deleterious effect on protein structure/function; Observed in individuals with breast and colon cancer (PMID: 29684080, 35264596); This variant is associated with the following publications: (PMID: 35210353, 35264596, 29684080)

Fulgent Genetics
Classification: Uncertain significance for Hepatocellular carcinoma; Papillary renal cell carcinoma type 1; Osteofibrous dysplasia; Autosomal recessive nonsyndromic hearing loss 97; Arthrogryposis, distal, IIa 11. Last evaluated: 2024-05-14. Review status: criteria provided, single submitter. Criteria: ACMG Guidelines, 2015. Collection method: clinical testing. Allele origin: germline.

Mendelics
Classification: Likely benign for Hereditary cancer. Last evaluated: 2024-01-23. Review status: criteria provided, single submitter. Criteria: ACMG Guidelines, 2015. Collection method: clinical testing. Allele origin: unknown.

Women's Health and Genetics/Laboratory Corporation of America, LabCorp
Classification: Likely benign. Last evaluated: 2022-04-08. Review status: criteria provided, single submitter. Criteria: LabCorp Variant Classification Summary - May 2015. Collection method: clinical testing. Allele origin: germline.

Revvity Omics, Revvity
Classification: Uncertain significance. Last evaluated: 2019-05-10. Review status: criteria provided, single submitter. Criteria: ACMG Guidelines, 2015. Collection method: clinical testing. Allele origin: germline.

Ambry Genetics
Classification: Likely benign for Hereditary cancer-predisposing syndrome. Last evaluated: 2019-03-07. Review status: criteria provided, single submitter. Criteria: Ambry Variant Classification Scheme 2023. Collection method: clinical testing. Allele origin: germline.

Literature cited by the submitters: PubMed 35264596 (cited by Quest Diagnostics Nichols Institute San Juan Capistrano).